The following is an entry in ClinVar:

ClinVar aggregate classification (germline): Uncertain significance (1 of 4 stars; one submission).

Conditions:
Neurofibromatosis, type 1 (NF1). Also called: NEUROFIBROMATOSIS, TYPE I, SOMATIC; Neurofibromatosis, type I; Peripheral type neurofibromatosis; VON RECKLINGHAUSEN DISEASE. Identifiers: Orphanet 636, MedGen C0027831, MONDO:0018975, OMIM 162200. Disease mechanism: loss of function.

Submission:

Labcorp Genetics (formerly Invitae), Labcorp
Classification: Uncertain significance for Neurofibromatosis, type 1. Last evaluated: 2023-09-29. Review status: criteria provided, single submitter. Criteria: Invitae Variant Classification Sherloc (09022015). Collection method: clinical testing. Allele origin: germline.
Comment: ClinVar contains an entry for this variant (Variation ID: 2120033). This variant has not been reported in the literature in individuals affected with NF1-related conditions. This variant is not present in population databases (gnomAD no frequency). This sequence change replaces valine, which is neutral and non-polar, with aspartic acid, which is acidic and polar, at codon 1120 of the NF1 protein (p.Val1120Asp). Advanced modeling of protein sequence and biophysical properties (such as structural, functional, and spatial information, amino acid conservation, physicochemical variation, residue mobility, and thermodynamic stability) performed at Invitae indicates that this missense variant is not expected to disrupt NF1 protein function. In summary, the available evidence is currently insufficient to determine the role of this variant in disease. Therefore, it has been classified as a Variant of Uncertain Significance.

NM_001042492.3(NF1):c.3359T>A (p.Val1120Asp)

Gene: NF1 (neurofibromin 1; plus strand). Cytogenetic location: 17q11.2.
Variant type: single nucleotide variant.
Coding change: c.3359T>A on transcript NM_001042492.3 (MANE Select); coding-DNA position 3359, T replaced by A.
Protein change: p.Val1120Asp; replaces valine 1120 with aspartic acid.
Molecular consequence: missense variant.
Genome position (GRCh38, 1-based): chr17:31,232,744, T>A. VCF-style: chr17-31232744-T-A. GRCh37 (hg19) VCF-style: chr17-29559762-T-A.
Other names: c.3359T>A, p.Val1120Asp (NM_000267.4); short protein forms V1120D.
Identifiers: ClinVar variation 2120033 (VCV002120033.4), dbSNP rs751571517, ClinGen allele CA398989063.